The following is an entry in ClinVar:

ClinVar aggregate classification (germline): Uncertain significance (1 of 4 stars; one submission).

Conditions:
Cardiovascular phenotype. Identifiers: MedGen CN230736.

Allele frequency attached by ClinVar (database versions not stated): gnomAD exomes below 0.00001.
gnomAD v4.1: 5 of 1,613,826 alleles (0.00031%); highest among the groups gnomAD compares: African/African-American, 0.0013%; no homozygotes.

Submission:

Ambry Genetics
Classification: Uncertain significance for Cardiovascular phenotype. Last evaluated: 2022-02-17. Review status: criteria provided, single submitter. Criteria: Ambry Variant Classification Scheme 2023. Collection method: clinical testing. Allele origin: germline.
Comment: The p.Q535R variant (also known as c.1604A>G), located in coding exon 11 of the NEXN gene, results from an A to G substitution at nucleotide position 1604. The glutamine at codon 535 is replaced by arginine, an amino acid with highly similar properties. This amino acid position is conserved. In addition, the in silico prediction for this alteration is inconclusive. Since supporting evidence is limited at this time, the clinical significance of this alteration remains unclear.

NM_144573.4(NEXN):c.1604A>G (p.Gln535Arg)

Gene: NEXN (nexilin F-actin binding protein; plus strand). Cytogenetic location: 1p31.1.
Variant type: single nucleotide variant.
Coding change: c.1604A>G on transcript NM_144573.4 (MANE Select); coding-DNA position 1604, A replaced by G.
Protein change: p.Gln535Arg; replaces glutamine 535 with arginine.
Molecular consequence: missense variant.
Genome position (GRCh38, 1-based): chr1:77,942,153, A>G. VCF-style: chr1-77942153-A-G. GRCh37 (hg19) VCF-style: chr1-78407838-A-G.
Other names: c.1412A>G, p.Gln471Arg (NM_001172309.2); short protein forms Q471R, Q535R.
Identifiers: ClinVar variation 1776233 (VCV001776233.2), dbSNP rs1447486619, ClinGen allele CA340881320.
Genomic context (GRCh38, chr1:77,942,153, plus strand): 5'-CTAGATTTGAACAAATGGCTAAGGCAAGAGAAGAAGAAGAACAAAGAAGAATTGAAGAAC[A>G]AAAGTTACTACGCATGCAGTTTGAACAAAGGGAAATTGATGCAGCACTACAAAAGGTACC-3'
Protein context (NP_653174.3, residues 525-545): EEEEQRRIEE[Gln535Arg]KLLRMQFEQR